The following is an entry in ClinVar:

ClinVar aggregate classification (germline): Uncertain significance (1 of 4 stars; one submission).

Allele frequency attached by ClinVar (database versions not stated): gnomAD 0.00001; ExAC 0.00002; TOPMed 0.00002; gnomAD exomes 0.00003.

Submission:

Labcorp Genetics (formerly Invitae), Labcorp
Classification: Uncertain significance. Last evaluated: 2020-12-24. Review status: criteria provided, single submitter. Criteria: Invitae Variant Classification Sherloc (09022015). Collection method: clinical testing. Allele origin: germline.
Comment: In summary, the available evidence is currently insufficient to determine the role of this variant in disease. Therefore, it has been classified as a Variant of Uncertain Significance. Nucleotide substitutions within the consensus splice site are a relatively common cause of aberrant splicing (PMID: 17576681, 9536098). Algorithms developed to predict the effect of sequence changes on RNA splicing suggest that this variant is not likely to affect RNA splicing, but this prediction has not been confirmed by published transcriptional studies. This variant has not been reported in the literature in individuals with PTPN23-related conditions. This variant is present in population databases (rs757684813, ExAC 0.005%). This sequence change falls in intron 12 of the PTPN23 gene. It does not directly change the encoded amino acid sequence of the PTPN23 protein. It affects a nucleotide within the consensus splice site of the intron.

Literature cited by the submitters: PubMed 17576681; PubMed 9536098.

NM_015466.4(PTPN23):c.1003+3C>T

Gene: PTPN23 (protein tyrosine phosphatase non-receptor type 23; plus strand). Cytogenetic location: 3p21.31.
Variant type: single nucleotide variant.
Coding change: c.1003+3C>T on transcript NM_015466.4 (MANE Select); 3 bases into the intron after coding-DNA position 1003, C replaced by T.
Molecular consequence: intron variant.
Genome position (GRCh38, 1-based): chr3:47,407,587, C>T. VCF-style: chr3-47407587-C-T. GRCh37 (hg19) VCF-style: chr3-47449077-C-T.
Other names: c.625+3C>T (NM_001304482.2).
Identifiers: ClinVar variation 1495171 (VCV001495171.4), dbSNP rs757684813, ClinGen allele CA2365591.